The following is an entry in ClinVar:

ClinVar aggregate classification (germline): Uncertain significance (1 of 4 stars; one submission).

Conditions:
Developmental and epileptic encephalopathy, 31A. Also called: Epileptic encephalopathy, early infantile, 31; Developmental and epileptic encephalopathy, 31. Identifiers: Orphanet 2382, MedGen C4225357, MONDO:0014598, OMIM 616346.

gnomAD v4.1: 4 of 1,612,624 alleles (0.00025%); highest among the groups gnomAD compares: East Asian, 0.0089%; no homozygotes.

Submission:

Labcorp Genetics (formerly Invitae), Labcorp
Classification: Uncertain significance for Developmental and epileptic encephalopathy, 31A. Last evaluated: 2022-07-25. Review status: criteria provided, single submitter. Criteria: Invitae Variant Classification Sherloc (09022015). Collection method: clinical testing. Allele origin: germline.
Comment: In summary, the available evidence is currently insufficient to determine the role of this variant in disease. Therefore, it has been classified as a Variant of Uncertain Significance. Algorithms developed to predict the effect of sequence changes on RNA splicing suggest that this variant may create or strengthen a splice site. ClinVar contains an entry for this variant (Variation ID: 1346485). This variant has not been reported in the literature in individuals affected with DNM1-related conditions. This variant is not present in population databases (gnomAD no frequency). This sequence change falls in intron 9 of the DNM1 gene. It does not directly change the encoded amino acid sequence of the DNM1 protein.

NM_004408.4(DNM1):c.1197-7C>A

Gene: DNM1 (dynamin 1; plus strand). Cytogenetic location: 9q34.11.
Variant type: single nucleotide variant.
Coding change: c.1197-7C>A on transcript NM_004408.4 (MANE Select); 7 bases into the intron before coding-DNA position 1197, C replaced by A.
Molecular consequence: intron variant.
Genome position (GRCh38, 1-based): chr9:128,224,244, C>A. VCF-style: chr9-128224244-C-A. GRCh37 (hg19) VCF-style: chr9-130986523-C-A.
Other names: c.1197-7C>A (NM_001005336.3, NM_001374269.1); c.1196+1384C>A (NM_001288738.2, NM_001288737.2, NM_001288739.2).
Identifiers: ClinVar variation 1346485 (VCV001346485.8), dbSNP rs41306488, ClinGen allele CA5258027.